The following is an entry in ClinVar:

ClinVar aggregate classification (germline): Uncertain significance (1 of 4 stars; one submission).

Allele frequency attached by ClinVar (database versions not stated): gnomAD 0.00001; gnomAD exomes 0.00001; ExAC 0.00002; TOPMed 0.00002; 1000 Genomes Project 0.00020; 1000 Genomes Project 30x 0.00031.
gnomAD v4.1: 10 of 1,614,148 alleles (0.00062%); highest among the groups gnomAD compares: East Asian, 0.018%; no homozygotes.

Submission:

Labcorp Genetics (formerly Invitae), Labcorp
Classification: Uncertain significance. Last evaluated: 2022-07-26. Review status: criteria provided, single submitter. Criteria: Invitae Variant Classification Sherloc (09022015). Collection method: clinical testing. Allele origin: germline.
Comment: In summary, the available evidence is currently insufficient to determine the role of this variant in disease. Therefore, it has been classified as a Variant of Uncertain Significance. Algorithms developed to predict the effect of missense changes on protein structure and function are either unavailable or do not agree on the potential impact of this missense change (SIFT: "Tolerated"; PolyPhen-2: "Probably Damaging"; Align-GVGD: "Class C0"). This variant has not been reported in the literature in individuals affected with FNIP1-related conditions. This variant is present in population databases (rs559954442, gnomAD 0.03%). This sequence change replaces asparagine, which is neutral and polar, with serine, which is neutral and polar, at codon 473 of the FNIP1 protein (p.Asn473Ser).

NM_133372.3(FNIP1):c.1418A>G (p.Asn473Ser)

Gene: FNIP1 (folliculin interacting protein 1; minus strand). Cytogenetic location: 5q31.1.
Variant type: single nucleotide variant.
Coding change: c.1418A>G on transcript NM_133372.3 (MANE Select); coding-DNA position 1418, A replaced by G.
Protein change: p.Asn473Ser; replaces asparagine 473 with serine.
Molecular consequence: missense variant.
Genome position (GRCh38, 1-based): chr5:131,677,804, T>C on the plus strand (A>G on the coding strand, the complement: FNIP1 is on the minus strand). VCF-style: chr5-131677804-T-C. GRCh37 (hg19) VCF-style: chr5-131013497-T-C.
Other names: c.1334A>G, p.Asn445Ser (NM_001008738.3); c.1418A>G, p.Asn473Ser (NM_001346113.2); c.1283A>G, p.Asn428Ser (NM_001346114.2); short protein forms N428S, N445S, N473S.
Identifiers: ClinVar variation 2185632 (VCV002185632.4), dbSNP rs559954442, ClinGen allele CA3400680.